The following is an entry in ClinVar:

ClinVar aggregate classification (germline): Uncertain significance. Review status: criteria provided, multiple submitters, no conflicts (2 of 4 stars). 2 submissions from 2 submitters: Uncertain significance (2). Last evaluated 2024-09-03.

Conditions:
Cardiofaciocutaneous syndrome 4 (CFC4). Also called: MAP2K2-Related Cardiofaciocutaneous Syndrome. Identifiers: Orphanet 1340, MedGen C3809007, MONDO:0014114, OMIM 615280.
RASopathy. Also called: rasopathies; Noonan spectrum disorder. Identifiers: Orphanet 536391, MedGen C5555857, MONDO:0021060.

Submissions (2):

Labcorp Genetics (formerly Invitae), Labcorp
Classification: Uncertain significance for RASopathy. Last evaluated: 2024-09-03. Review status: criteria provided, single submitter. Criteria: Invitae Variant Classification Sherloc (09022015). Collection method: clinical testing. Allele origin: germline.
Comment: This sequence change replaces asparagine, which is neutral and polar, with serine, which is neutral and polar, at codon 225 of the MAP2K2 protein (p.Asn225Ser). This variant is not present in population databases (gnomAD no frequency). This variant has not been reported in the literature in individuals affected with MAP2K2-related conditions. Invitae Evidence Modeling of protein sequence and biophysical properties (such as structural, functional, and spatial information, amino acid conservation, physicochemical variation, residue mobility, and thermodynamic stability) indicates that this missense variant is not expected to disrupt MAP2K2 protein function with a negative predictive value of 95%. In summary, the available evidence is currently insufficient to determine the role of this variant in disease. Therefore, it has been classified as a Variant of Uncertain Significance.

Fulgent Genetics
Classification: Uncertain significance for Cardiofaciocutaneous syndrome 4. Last evaluated: 2024-03-24. Review status: criteria provided, single submitter. Criteria: ACMG Guidelines, 2015. Collection method: clinical testing. Allele origin: germline.

NM_030662.4(MAP2K2):c.674A>G (p.Asn225Ser)

Gene: MAP2K2 (mitogen-activated protein kinase kinase 2; minus strand). Cytogenetic location: 19p13.3.
Variant type: single nucleotide variant.
Coding change: c.674A>G on transcript NM_030662.4 (MANE Select); coding-DNA position 674, A replaced by G.
Protein change: p.Asn225Ser; replaces asparagine 225 with serine.
Molecular consequence: missense variant.
Genome position (GRCh38, 1-based): chr19:4,101,050, T>C on the plus strand (A>G on the coding strand, the complement: MAP2K2 is on the minus strand). VCF-style: chr19-4101050-T-C. GRCh37 (hg19) VCF-style: chr19-4101048-T-C.
Other names: short protein forms N225S.
Identifiers: ClinVar variation 3583902 (VCV003583902.3).
Genomic context (GRCh38, chr19:4,101,050, plus strand): 5'-GCTGGAGGGGAGAGCCAGCGGGGACTCACAGCCATGTAGGAGCGCGTGCCCACGAAGGAG[T>C]TGGCCATGGAGTCGATGAGCTGGCCGCTCACCCCGAAGTCACACAGCTTGATCTCCCCTC-3'
Protein context (NP_109587.1, residues 215-235): VSGQLIDSMA[Asn225Ser]SFVGTRSYMA